The following is an entry in ClinVar:

NM_000344.4(SMN1):c.766G>T (p.Asp256Tyr)

Gene: SMN1 (survival of motor neuron 1, telomeric). Cytogenetic location: 5q13.2.
Variant type: single nucleotide variant.
Coding change: c.766G>T on transcript NM_000344.4 (MANE Select); coding-DNA position 766, G replaced by T.
Protein change: p.Asp256Tyr; replaces aspartic acid 256 with tyrosine.
Molecular consequence: missense variant.
Genome position (GRCh38, 1-based): chr5:70,946,108, G>T. VCF-style: chr5-70946108-G-T. GRCh37 (hg19) VCF-style: chr5-70241935-G-T.
Other names: c.766G>T, p.Asp256Tyr (NM_001297715.1); c.670G>T, p.Asp224Tyr (NM_022874.2); short protein forms D224Y, D256Y.
Identifiers: ClinVar variation 3239632 (VCV003239632.1), dbSNP rs2532126303.

ClinVar aggregate classification (germline): Likely pathogenic (1 of 4 stars; one submission).

Conditions:
Kugelberg-Welander disease (SMA3). Also called: SPINAL MUSCULAR ATROPHY, TYPE III; Juvenile Spinal Muscular Atrophy; SMA III; SPINAL MUSCULAR ATROPHY, MILD CHILDHOOD AND ADOLESCENT FORM; KUGELBERG-WELANDER SYNDROME; MUSCULAR ATROPHY, JUVENILE. Identifiers: Orphanet 70, Orphanet 83419, MedGen C0152109, MONDO:0009672, OMIM 253400.

Submission:

DNA-diagnostics Laboratory, Research Centre For Medical Genetics
Classification: Likely pathogenic for Kugelberg-Welander disease. Last evaluated: 2024-06-04. Review status: criteria provided, single submitter. Criteria: ACMG Guidelines, 2015. Collection method: clinical testing. Allele origin: germline. Inheritance: Autosomal recessive inheritance. Affected: yes.
Comment: The p.Asp256Tyr variant in the SMN1 gene fulfils the ACMG criteria: PM2, PP3, PP2, PM3